The following is an entry in ClinVar:

ClinVar aggregate classification (germline): Pathogenic (1 of 4 stars; one submission).

Conditions:
Familial hemophagocytic lymphohistiocytosis 5. Also called: STXBP2-Related Familial Hemophagocytic Lymphohistiocytosis (STXBP2-fHLH). Identifiers: Orphanet 540, MedGen C2751293, MONDO:0013135, OMIM 613101.

Allele frequency attached by ClinVar (database versions not stated): TOPMed below 0.00001.

Submission:

Labcorp Genetics (formerly Invitae), Labcorp
Classification: Pathogenic for Familial hemophagocytic lymphohistiocytosis 5. Last evaluated: 2023-09-01. Review status: criteria provided, single submitter. Criteria: Invitae Variant Classification Sherloc (09022015). Collection method: clinical testing. Allele origin: germline.
Comment: This variant has not been reported in the literature in individuals affected with STXBP2-related conditions. For these reasons, this variant has been classified as Pathogenic. This variant is not present in population databases (gnomAD no frequency). This sequence change creates a premature translational stop signal (p.Asn450Serfs*35) in the STXBP2 gene. It is expected to result in an absent or disrupted protein product. Loss-of-function variants in STXBP2 are known to be pathogenic (PMID: 19804848, 22451424).

Literature cited by the submitters: PubMed 19804848; PubMed 22451424.

NM_006949.4(STXBP2):c.1342_1346dup (p.Asn450fs)

Gene: STXBP2 (syntaxin binding protein 2; plus strand). Cytogenetic location: 19p13.2.
Variant type: Duplication.
Coding change: c.1342_1346dup on transcript NM_006949.4 (MANE Select); coding-DNA positions 1342 to 1346, 5 bases duplicated (GTCAC; older notation c.1342_1346dupGTCAC).
Protein change: p.Asn450fs; shifts the reading frame from asparagine 450.
Molecular consequence: frameshift variant. On other transcripts: non-coding transcript variant (1).
Genome position (GRCh38, 1-based): chr19:7,645,292-7,645,296, GTCAC duplicated. VCF-style (leftmost placement, unchanged base first): chr19-7645291-T-TGTCAC. GRCh37 (hg19) VCF-style: chr19-7710177-T-TGTCAC.
Other names: c.1375_1379dup, p.Asn461fs (NM_001272034.2); c.1246_1250dup, p.Asn418fs (NM_001414484.1); c.1333_1337dup, p.Asn447fs (NM_001127396.3); short protein forms N461fs, N447fs, N450fs, N418fs.
Identifiers: ClinVar variation 2835756 (VCV002835756.3), dbSNP rs2032088471, ClinGen allele CA2321023702.
Genomic context (GRCh38, chr19:7,645,291, plus strand): 5'-GCATGCCAATGTACAGGCGCACAGCAGCCTCATCCGTAACCTGGAGCAGCTGGGAGGCAC[T>TGTCAC]GTCACCAACCCCGGGGTACGCCAGGAGCGGGCATGGGGGGACCCTGGGAGAGGGTGCGGA-3'